The following is an entry in ClinVar:

ClinVar aggregate classification (germline): Pathogenic. Review status: reviewed by expert panel (3 of 4 stars). 2 submissions from 2 submitters: Pathogenic (1). 1 of the submissions does not count toward it. Last evaluated 2017-12-15.

Conditions:
Breast-ovarian cancer, familial, susceptibility to, 2 (BROVCA2). Also called: BRCA2 Hereditary Breast and Ovarian Cancer. Identifiers: Orphanet 145, MedGen C2675520, MONDO:0012933, OMIM 612555. Disease mechanism: loss of function.

Submissions (2):

Evidence-based Network for the Interpretation of Germline Mutant Alleles (ENIGMA)
Classification: Pathogenic for Breast-ovarian cancer, familial, susceptibility to, 2. Last evaluated: 2017-12-15. Review status: reviewed by expert panel. Criteria: ENIGMA BRCA1/2 Classification Criteria (2017-06-29). Collection method: curation. Allele origin: germline. Study: ENIGMA.
Comment: Variant allele predicted to encode a truncated non-functional protein.

Istenhegyi Gendiagnosztika Kft
Classification: Likely pathogenic for Breast-ovarian cancer, familial, susceptibility to, 2. Last evaluated: 2017-08-25. Review status: criteria provided, single submitter. Criteria: ACMG Guidelines, 2015. Collection method: provider interpretation. Allele origin: germline. Inheritance: Autosomal dominant inheritance. Affected: yes. Observed: 1 variant allele, 1 heterozygote. Not counted in ClinVar's aggregate classification.
Comment: This BRCA gene variatn c.8560_8531insA results in a frameshift mutation and causes truncation of the protein. The variant encodes 2867 aminoacids (wide type is 3418 AA). Considering the effect of this insertion, it was classified as a likely pathogenic mutation.

NM_000059.4(BRCA2):c.8533dup (p.Arg2845fs)

Gene: BRCA2 (BRCA2 DNA repair associated; plus strand). Cytogenetic location: 13q13.1.
Variant type: Duplication.
Coding change: c.8533dup on transcript NM_000059.4 (MANE Select); coding-DNA position 8533, one base duplicated (A; older notation c.8533dupA).
Protein change: p.Arg2845fs; shifts the reading frame from arginine 2845.
Molecular consequence: frameshift variant.
Genome position (GRCh38, 1-based): chr13:32,371,001, A duplicated; the last of 3 consecutive A bases (chr13:32,370,999-32,371,001); duplicating any one gives the same sequence. VCF-style (leftmost placement, unchanged base first): chr13-32370998-G-GA. GRCh37 (hg19) VCF-style: chr13-32945135-G-GA.
Other names: c.8533dupA (NM_000059.3); short protein forms R2845fs.
Identifiers: ClinVar variation 438382 (VCV000438382.3), dbSNP rs397507990, ClinGen allele CA645509336.